The following is an entry in ClinVar:

NM_015338.6(ASXL1):c.2837C>T (p.Ala946Val)

Gene: ASXL1 (ASXL transcriptional regulator 1; plus strand). Cytogenetic location: 20q11.21.
Variant type: single nucleotide variant.
Coding change: c.2837C>T on transcript NM_015338.6 (MANE Select); coding-DNA position 2837, C replaced by T.
Protein change: p.Ala946Val; replaces alanine 946 with valine.
Molecular consequence: missense variant.
Genome position (GRCh38, 1-based): chr20:32,435,549, C>T. VCF-style: chr20-32435549-C-T. GRCh37 (hg19) VCF-style: chr20-31023352-C-T.
Other names: c.2654C>T, p.Ala885Val (NM_001363734.1); short protein forms A885V, A946V.
Identifiers: ClinVar variation 3955835 (VCV003955835.1).
Genomic context (GRCh38, chr20:32,435,549, plus strand): 5'-TTGGAGAGGAGTGGGAGAAAGCTGCTCCCACCCCTCCTGCATTGCCTGGGGATTTGACAG[C>T]TGAGGAGGGTCTAGATCCTCTTGACAGCCTTACTTCACTCTGGACTGTGCCATCTCGAGG-3'
Protein context (NP_056153.2, residues 936-956): TPPALPGDLT[Ala946Val]EEGLDPLDSL

ClinVar aggregate classification (germline): Uncertain significance (1 of 4 stars; one submission).

Conditions:
Inborn genetic diseases. Identifiers: MedGen C0950123, MeSH D030342.

gnomAD v4.1: 3 of 1,614,056 alleles (0.00019%); highest among the groups gnomAD compares: Non-Finnish European, 0.00025%; no homozygotes.

Submission:

Ambry Genetics
Classification: Uncertain significance for Inborn genetic diseases. Last evaluated: 2025-04-05. Review status: criteria provided, single submitter. Criteria: Ambry Variant Classification Scheme 2023. Collection method: clinical testing. Allele origin: germline.
Comment: The p.A946V variant (also known as c.2837C>T), located in coding exon 13 of the ASXL1 gene, results from a C to T substitution at nucleotide position 2837. The alanine at codon 946 is replaced by valine, an amino acid with similar properties. This amino acid position is conserved. In addition, this alteration is predicted to be tolerated by in silico analysis. Based on the available evidence, the clinical significance of this variant remains unclear.